The following is an entry in ClinVar:

NM_024675.4(PALB2):c.3254T>C (p.Leu1085Ser)

Gene: PALB2 (partner and localizer of BRCA2; minus strand). Cytogenetic location: 16p12.2.
Variant type: single nucleotide variant.
Coding change: c.3254T>C on transcript NM_024675.4 (MANE Select); coding-DNA position 3254, T replaced by C.
Protein change: p.Leu1085Ser; replaces leucine 1085 with serine.
Molecular consequence: missense variant.
Genome position (GRCh38, 1-based): chr16:23,607,960, A>G on the plus strand (T>C on the coding strand, the complement: PALB2 is on the minus strand). VCF-style: chr16-23607960-A-G. GRCh37 (hg19) VCF-style: chr16-23619281-A-G.
Other names: short protein forms L1085S.
Identifiers: ClinVar variation 936179 (VCV000936179.11), dbSNP rs780524136, ClinGen allele CA7963391.

ClinVar aggregate classification (germline): Uncertain significance. Review status: criteria provided, multiple submitters, no conflicts (2 of 4 stars). 2 submissions from 2 submitters: Uncertain significance (2). Last evaluated 2024-04-24.

Conditions:
Familial cancer of breast. Also called: BREAST CANCER, FAMILIAL; Hereditary breast cancer; hereditary breast carcinoma. Identifiers: Orphanet 227535, MedGen C0346153, MONDO:0016419, OMIM 114480. Disease mechanism: loss of function.
Hereditary cancer-predisposing syndrome. Also called: Tumor predisposition; Hereditary neoplastic syndrome; Hereditary Cancer Syndrome; Neoplastic Syndromes, Hereditary. Identifiers: Orphanet 140162, MedGen C0027672, MeSH D009386, MONDO:0015356.

Allele frequency attached by ClinVar (database versions not stated): gnomAD exomes below 0.00001; ExAC 0.00001.
gnomAD v4.1: 1 of 1,614,138 alleles (0.000062%); highest among the groups gnomAD compares: Non-Finnish European, 0.000085%; no homozygotes.

Submissions (2):

Ambry Genetics
Classification: Uncertain significance for Hereditary cancer-predisposing syndrome. Last evaluated: 2024-04-24. Review status: criteria provided, single submitter. Criteria: Ambry Variant Classification Scheme 2023. Collection method: clinical testing. Allele origin: germline.
Comment: The p.L1085S variant (also known as c.3254T>C), located in coding exon 12 of the PALB2 gene, results from a T to C substitution at nucleotide position 3254. The leucine at codon 1085 is replaced by serine, an amino acid with dissimilar properties. This amino acid position is conserved. In addition, this alteration is predicted to be tolerated by in silico analysis. Based on the available evidence, the clinical significance of this variant remains unclear.

Labcorp Genetics (formerly Invitae), Labcorp
Classification: Uncertain significance for Familial cancer of breast. Last evaluated: 2022-09-01. Review status: criteria provided, single submitter. Criteria: Invitae Variant Classification Sherloc (09022015). Collection method: clinical testing. Allele origin: germline.
Comment: In summary, the available evidence is currently insufficient to determine the role of this variant in disease. Therefore, it has been classified as a Variant of Uncertain Significance. Algorithms developed to predict the effect of missense changes on protein structure and function output the following: SIFT: "Tolerated"; PolyPhen-2: "Benign"; Align-GVGD: "Class C0". The serine amino acid residue is found in multiple mammalian species, which suggests that this missense change does not adversely affect protein function. ClinVar contains an entry for this variant (Variation ID: 936179). This variant has not been reported in the literature in individuals affected with PALB2-related conditions. This variant is present in population databases (rs780524136, gnomAD 0.0009%). This sequence change replaces leucine, which is neutral and non-polar, with serine, which is neutral and polar, at codon 1085 of the PALB2 protein (p.Leu1085Ser).